The following is an entry in ClinVar:

ClinVar aggregate classification (germline): Uncertain significance (1 of 4 stars; one submission).

Conditions:
Autosomal recessive limb-girdle muscular dystrophy type 2C (LGMDR5). Also called: MUSCULAR DYSTROPHY, LIMB-GIRDLE, AUTOSOMAL RECESSIVE 5; MUSCULAR DYSTROPHY, DUCHENNE-LIKE. Identifiers: Orphanet 353, MedGen C0410173, MONDO:0009677, OMIM 253700. Disease mechanism: Affects gamma-sarcoglycan and also disrupts the integrity of the entire sarcoglycan complex..

Submission:

Labcorp Genetics (formerly Invitae), Labcorp
Classification: Uncertain significance for Autosomal recessive limb-girdle muscular dystrophy type 2C. Last evaluated: 2022-08-23. Review status: criteria provided, single submitter. Criteria: Invitae Variant Classification Sherloc (09022015). Collection method: clinical testing. Allele origin: germline.
Comment: A copy number gain of the genomic region encompassing the full coding sequence of the SGCG gene has been identified. The boundaries of this event are unknown as they extend beyond the assayed region for this gene and therefore may encompass additional genes. As the precise location of this event is unknown, it may be in tandem or it may be located elsewhere in the genome. This variant has not been reported in the literature in individuals affected with SGCG-related conditions. In summary, the available evidence is currently insufficient to determine the role of this variant in disease. Therefore, it has been classified as a Variant of Uncertain Significance.

NC_000013.10:g.(?_23777834)_(23985378_?)dup

Genes: SGCG (sarcoglycan gamma; plus strand), SACS (sacsin molecular chaperone; minus strand). Cytogenetic location: 13q12.12.
Variant type: Duplication.
Identifiers: ClinVar variation 2422613 (VCV002422613.1).